The following is an entry in ClinVar:

ClinVar aggregate classification (germline): Likely benign. Review status: criteria provided, multiple submitters, no conflicts (2 of 4 stars). 3 submissions from 3 submitters: Likely benign (3). Last evaluated 2025-04-16.

Conditions:
IFT74-related disorder. Also called: IFT74-related condition; IFT74-Related Disorders.

Allele frequency attached by ClinVar (database versions not stated): TOPMed 0.00003; gnomAD exomes 0.00004 and 0.00002; gnomAD 0.00005 and 0.00006; ExAC 0.00002.
gnomAD v4.1: 43 of 1,607,534 alleles (0.0027%); highest among the groups gnomAD compares: East Asian, 0.0045%; no homozygotes.

Submissions (3):

Labcorp Genetics (formerly Invitae), Labcorp
Classification: Likely benign. Last evaluated: 2025-04-16. Review status: criteria provided, single submitter. Criteria: Invitae Variant Classification Sherloc (09022015). Collection method: clinical testing. Allele origin: germline.

PreventionGenetics, part of Exact Sciences
Classification: Likely benign for IFT74-related condition. Last evaluated: 2024-12-29. Review status: criteria provided, single submitter. Criteria: ACMG Guidelines, 2015. Collection method: clinical testing. Allele origin: germline.
Comment: This variant is classified as likely benign based on ACMG/AMP sequence variant interpretation guidelines (Richards et al. 2015 PMID: 25741868, with internal and published modifications).

Breakthrough Genomics
Classification: Likely benign. Review status: criteria provided, single submitter. Criteria: ACMG Guidelines, 2015. Collection method: not provided. Allele origin: germline. Inheritance: Autosomal recessive inheritance. Affected: yes.

NM_025103.4(IFT74):c.822G>A (p.Ala274=)

Gene: IFT74 (intraflagellar transport 74; plus strand). Cytogenetic location: 9p21.2.
Variant type: single nucleotide variant.
Coding change: c.822G>A on transcript NM_025103.4 (MANE Select); coding-DNA position 822, G replaced by A.
Protein change: p.Ala274=; no amino-acid change (alanine 274 retained).
Molecular consequence: synonymous variant.
Genome position (GRCh38, 1-based): chr9:27,016,939, G>A. VCF-style: chr9-27016939-G-A. GRCh37 (hg19) VCF-style: chr9-27016937-G-A.
Other names: c.822G>A, p.Ala274= (NM_001099222.3, NM_001099223.3, NM_001099224.3 and 1 more transcripts); c.822G>A (NM_025103.2).
Identifiers: ClinVar variation 1591393 (VCV001591393.11), dbSNP rs745802604, ClinGen allele CA5015416.